The following is an entry in ClinVar:

NM_031443.4(CCM2):c.1250_1251del (p.Glu417fs)

Gene: CCM2 (CCM2 scaffold protein; plus strand). Cytogenetic location: 7p13.
Variant type: Microsatellite.
Coding change: c.1250_1251del on transcript NM_031443.4 (MANE Select); coding-DNA positions 1250 to 1251, 2 bases deleted (AG; older notation c.1250_1251delAG).
Protein change: p.Glu417fs; shifts the reading frame from glutamic acid 417.
Molecular consequence: frameshift variant. On other transcripts: non-coding transcript variant (1).
Genome position (GRCh38, 1-based): chr7:45,075,972-45,075,973, AG deleted; deleting any 2 consecutive bases within chr7:45,075,970-45,075,973 gives the same sequence; the c. name uses the placement nearest the transcript's 3' end. VCF-style (leftmost placement, unchanged base first): chr7-45075969-CAG-C. GRCh37 (hg19) VCF-style: chr7-45115568-CAG-C.
Other names: c.1250_1251delAG (NM_031443.3); c.1313_1314del, p.Glu438fs (NM_001029835.2); c.1076_1077del, p.Glu359fs (NM_001167934.2); c.977_978del, p.Glu326fs (NM_001167935.2); c.1373_1374del, p.Glu458fs (NM_001363458.2); c.1199_1200del, p.Glu400fs (NM_001363459.2); short protein forms E326fs, E400fs, E417fs, E438fs, E359fs, E458fs.
Identifiers: ClinVar variation 585627 (VCV000585627.8), dbSNP rs1562921605, ClinGen allele CA891842746.

ClinVar aggregate classification (germline): Pathogenic/Likely pathogenic. Review status: criteria provided, multiple submitters, no conflicts (2 of 4 stars). 5 submissions from 5 submitters: Pathogenic (1); Likely pathogenic (3). 1 of the submissions does not count toward it. Last evaluated 2024-11-27.

Conditions:
Cerebral cavernous malformation 2. Also called: Familial Cerebral Cavernous Malformation 2. Identifiers: Orphanet 221061, MedGen C1864041, MONDO:0011304, OMIM 603284.
CCM2-related disorder. Also called: CCM2-related condition.

Submissions (5):

Blueprint Genetics
Classification: Likely pathogenic for CCM2-related disorders. Last evaluated: 2024-11-27. Review status: criteria provided, single submitter. Criteria: ACMG Guidelines, 2015. Collection method: clinical testing. Allele origin: germline. Affected: yes. Observed: 2 variant alleles.

Labcorp Genetics (formerly Invitae), Labcorp
Classification: Likely pathogenic for Cerebral cavernous malformation 2. Last evaluated: 2024-11-08. Review status: criteria provided, single submitter. Criteria: Invitae Variant Classification Sherloc (09022015). Collection method: clinical testing. Allele origin: germline.
Comment: This sequence change creates a premature translational stop signal (p.Glu417Glyfs*3) in the CCM2 gene. While this is not anticipated to result in nonsense mediated decay, it is expected to disrupt the last 28 amino acid(s) of the CCM2 protein. This variant is not present in population databases (gnomAD no frequency). This premature translational stop signal has been observed in individual(s) with cerebral cavernous malformations (PMID: 14740320). It has also been observed to segregate with disease in related individuals. In summary, the currently available evidence indicates that the variant is pathogenic, but additional data are needed to prove that conclusively. Therefore, this variant has been classified as Likely Pathogenic.

Athena Diagnostics
Classification: Pathogenic. Last evaluated: 2018-05-22. Review status: criteria provided, single submitter. Criteria: Athena Diagnostics Criteria. Collection method: clinical testing. Allele origin: germline.

PreventionGenetics, part of Exact Sciences
Classification: Likely pathogenic. Last evaluated: 2016-03-11. Review status: criteria provided, single submitter. Criteria: ACMG Guidelines, 2015. Collection method: clinical testing. Allele origin: germline.

OMIM
Classification: Pathogenic for CEREBRAL CAVERNOUS MALFORMATIONS 2. Last evaluated: 2004-02-01. Review status: no assertion criteria provided. Collection method: literature only. Allele origin: germline. Not counted in ClinVar's aggregate classification.

Literature cited by the submitters: PubMed 14740320 (cited by 3 submitters); PubMed 23595507 (cited by Athena Diagnostics).